The following is an entry in ClinVar:

ClinVar aggregate classification (germline): Uncertain significance (1 of 4 stars; one submission).

Conditions:
Baller-Gerold syndrome (BGS). Also called: CRANIOSYNOSTOSIS WITH RADIAL DEFECTS. Identifiers: Orphanet 1225, MedGen C0265308, MONDO:0009039, OMIM 218600.

Submission:

Labcorp Genetics (formerly Invitae), Labcorp
Classification: Uncertain significance for Baller-Gerold syndrome. Last evaluated: 2020-07-16. Review status: criteria provided, single submitter. Criteria: Invitae Variant Classification Sherloc (09022015). Collection method: clinical testing. Allele origin: germline.
Comment: This sequence change replaces proline with leucine at codon 169 of the RECQL4 protein (p.Pro169Leu). The proline residue is moderately conserved and there is a moderate physicochemical difference between proline and leucine. This variant is not present in population databases (ExAC no frequency). This variant has not been reported in the literature in individuals with RECQL4-related conditions. Experimental studies and prediction algorithms are not available or were not evaluated, and the functional significance of this variant is currently unknown. In summary, the available evidence is currently insufficient to determine the role of this variant in disease. Therefore, it has been classified as a Variant of Uncertain Significance.

NM_004260.4(RECQL4):c.506C>T (p.Pro169Leu)

Gene: RECQL4 (RecQ like helicase 4; minus strand). Cytogenetic location: 8q24.3.
Variant type: single nucleotide variant.
Coding change: c.506C>T on transcript NM_004260.4 (MANE Select); coding-DNA position 506, C replaced by T.
Protein change: p.Pro169Leu; replaces proline 169 with leucine.
Molecular consequence: missense variant.
Genome position (GRCh38, 1-based): chr8:144,516,613, G>A on the plus strand (C>T on the coding strand, the complement: RECQL4 is on the minus strand). VCF-style: chr8-144516613-G-A. GRCh37 (hg19) VCF-style: chr8-145741997-G-A.
Other names: short protein forms P169L.
Identifiers: ClinVar variation 1003165 (VCV001003165.3), dbSNP rs1815062742, ClinGen allele CA372691215.